The following is an entry in ClinVar:

ClinVar aggregate classification (germline): Uncertain significance (1 of 4 stars; one submission).

Submission:

Labcorp Genetics (formerly Invitae), Labcorp
Classification: Uncertain significance. Last evaluated: 2025-12-09. Review status: criteria provided, single submitter. Criteria: Invitae Variant Classification Sherloc (09022015). Collection method: clinical testing. Allele origin: germline.
Comment: This sequence change creates a premature translational stop signal (p.Tyr78*) in the MAP3K8 gene. It is expected to result in an absent or disrupted protein product. However, the current clinical and genetic evidence is not sufficient to establish whether loss-of-function variants in MAP3K8 cause disease. This variant is not present in population databases (gnomAD no frequency). This variant has not been reported in the literature in individuals affected with MAP3K8-related conditions. Algorithms developed to predict the effect of sequence changes on RNA splicing suggest that this variant may disrupt the consensus splice site. In summary, the available evidence is currently insufficient to determine the role of this variant in disease. Therefore, it has been classified as a Variant of Uncertain Significance.

NM_005204.4(MAP3K8):c.234T>G (p.Tyr78Ter)

Gene: MAP3K8 (mitogen-activated protein kinase kinase kinase 8; plus strand). Cytogenetic location: 10p11.23.
Variant type: single nucleotide variant.
Coding change: c.234T>G on transcript NM_005204.4 (MANE Select); coding-DNA position 234, T replaced by G.
Protein change: p.Tyr78Ter; replaces tyrosine 78 with a stop codon.
Molecular consequence: nonsense.
Genome position (GRCh38, 1-based): chr10:30,439,172, T>G. VCF-style: chr10-30439172-T-G. GRCh37 (hg19) VCF-style: chr10-30728101-T-G.
Other names: c.234T>G, p.Tyr78Ter (NM_001244134.1, NM_001320961.2); short protein forms Y78*.
Identifiers: ClinVar variation 4718543 (VCV004718543.1).